The following is an entry in ClinVar:

NM_006950.3(SYN1):c.553A>G (p.Ile185Val)

Gene: SYN1 (synapsin I; minus strand). Cytogenetic location: Xp11.23.
Variant type: single nucleotide variant.
Coding change: c.553A>G on transcript NM_006950.3 (MANE Select); coding-DNA position 553, A replaced by G.
Protein change: p.Ile185Val; replaces isoleucine 185 with valine.
Molecular consequence: missense variant.
Genome position (GRCh38, 1-based): chrX:47,605,354, T>C on the plus strand (A>G on the coding strand, the complement: SYN1 is on the minus strand). VCF-style: chrX-47605354-T-C. GRCh37 (hg19) VCF-style: chrX-47464753-T-C.
Other names: c.553A>G, p.Ile185Val (NM_133499.2); short protein forms I185V.
Identifiers: ClinVar variation 2747489 (VCV002747489.3), dbSNP rs2057893287, ClinGen allele CA412825234.

ClinVar aggregate classification (germline): Uncertain significance (1 of 4 stars; one submission).

Conditions:
Epilepsy, X-linked 1, with variable learning disabilities and behavior disorders. Also called: X-linked epilepsy-learning disabilities-behavior disorders syndrome. Identifiers: Orphanet 85294, MedGen C5774177, MONDO:0010339, OMIM 300491.

Submission:

Labcorp Genetics (formerly Invitae), Labcorp
Classification: Uncertain significance for Epilepsy, X-linked 1, with variable learning disabilities and behavior disorders. Last evaluated: 2023-11-27. Review status: criteria provided, single submitter. Criteria: Invitae Variant Classification Sherloc (09022015). Collection method: clinical testing. Allele origin: germline.
Comment: This sequence change replaces isoleucine, which is neutral and non-polar, with valine, which is neutral and non-polar, at codon 185 of the SYN1 protein (p.Ile185Val). This variant is not present in population databases (gnomAD no frequency). This variant has not been reported in the literature in individuals affected with SYN1-related conditions. An algorithm developed to predict the effect of missense changes on protein structure and function (PolyPhen-2) suggests that this variant is likely to be tolerated. In summary, the available evidence is currently insufficient to determine the role of this variant in disease. Therefore, it has been classified as a Variant of Uncertain Significance.